The following is an entry in ClinVar:

ClinVar aggregate classification (germline): Conflicting classifications of pathogenicity. Review status: criteria provided, conflicting classifications (1 of 4 stars). 5 submissions from 4 submitters: Uncertain significance (3); Benign (1); Likely benign (1). Last evaluated 2025-12-22.

Conditions:
Cardiovascular phenotype. Identifiers: MedGen CN230736.
Tangier disease (TGD). Also called: HIGH DENSITY LIPOPROTEIN DEFICIENCY, TANGIER TYPE; HIGH DENSITY LIPOPROTEIN DEFICIENCY, TYPE 1; Cholesterol thesaurismosis. Identifiers: Orphanet 31150, MedGen C0039292, MONDO:0008783, OMIM 205400.
Hypoalphalipoproteinemia, primary, 1. Identifiers: Orphanet 425, MedGen C5231558, MONDO:0011393, OMIM 604091.

Allele frequency attached by ClinVar (database versions not stated): gnomAD exomes 0.00008 and 0.00005; ExAC 0.00010; gnomAD 0.00010; ESP Exome Variant Server 0.00015; TOPMed 0.00007.
gnomAD v4.1: 123 of 1,612,890 alleles (0.0076%); highest among the groups gnomAD compares: Non-Finnish European, 0.01%; no homozygotes.

Submissions (5):

Ambry Genetics
Classification: Uncertain significance for Cardiovascular phenotype. Last evaluated: 2025-12-22. Review status: criteria provided, single submitter. Criteria: Ambry Variant Classification Scheme 2023. Collection method: clinical testing. Allele origin: germline.
Comment: The p.K401Q variant (also known as c.1201A>C), located in coding exon 10 of the ABCA1 gene, results from an A to C substitution at nucleotide position 1201. The lysine at codon 401 is replaced by glutamine, an amino acid with similar properties. This variant was reported in individual(s) with features consistent with HDL deficiency (Cohen JC et al. Science, 2004 Aug;305:869-72). This amino acid position is well conserved in available vertebrate species. In addition, this alteration is predicted to be tolerated by in silico analysis. Based on the available evidence, the clinical significance of this variant remains unclear.

Labcorp Genetics (formerly Invitae), Labcorp
Classification: Likely benign. Last evaluated: 2024-12-02. Review status: criteria provided, single submitter. Criteria: Invitae Variant Classification Sherloc (09022015). Collection method: clinical testing. Allele origin: germline.

GeneDx
Classification: Uncertain significance. Last evaluated: 2023-07-12. Review status: criteria provided, single submitter. Criteria: GeneDx Variant Classification Process June 2021. Collection method: clinical testing. Allele origin: germline. Affected: yes.
Comment: In silico analysis supports that this missense variant does not alter protein structure/function; Has not been previously published as pathogenic or benign to our knowledge

Illumina Laboratory Services, Illumina
Classification: Uncertain significance for Tangier disease. Last evaluated: 2018-01-13. Review status: criteria provided, single submitter. Criteria: ICSL Variant Classification Criteria 13 December 2019. Collection method: clinical testing. Allele origin: germline.

Illumina Laboratory Services, Illumina
Classification: Benign for Hypoalphalipoproteinemia, primary, 1. Last evaluated: 2018-01-13. Review status: criteria provided, single submitter. Criteria: ICSL Variant Classification Criteria 13 December 2019. Collection method: clinical testing. Allele origin: germline.
Comment: This variant was observed in the ICSL laboratory as part of a predisposition screen in an ostensibly healthy population. It had not been previously curated by ICSL or reported in the Human Gene Mutation Database (HGMD: prior to June 1st, 2018), and was therefore a candidate for classification through an automated scoring system. Utilizing variant allele frequency, disease prevalence and penetrance estimates, and inheritance mode, an automated score was calculated to assess if this variant is too frequent to cause the disease. Based on the score and internal cut-off values, a variant classified as benign is not then subjected to further curation. The score for this variant resulted in a classification of benign for this disease.

Literature cited by the submitters: PubMed 15297675 (cited by Ambry Genetics).

NM_005502.4(ABCA1):c.1201A>C (p.Lys401Gln)

Gene: ABCA1 (ATP binding cassette subfamily A member 1; minus strand). Cytogenetic location: 9q31.1.
Variant type: single nucleotide variant.
Coding change: c.1201A>C on transcript NM_005502.4 (MANE Select); coding-DNA position 1201, A replaced by C.
Protein change: p.Lys401Gln; replaces lysine 401 with glutamine.
Molecular consequence: missense variant.
Genome position (GRCh38, 1-based): chr9:104,837,090, T>G on the plus strand (A>C on the coding strand, the complement: ABCA1 is on the minus strand). VCF-style: chr9-104837090-T-G. GRCh37 (hg19) VCF-style: chr9-107599371-T-G.
Other names: short protein forms K401Q.
Identifiers: ClinVar variation 913396 (VCV000913396.10), dbSNP rs138487227, ClinGen allele CA5169076.